The following is an entry in ClinVar:

ClinVar aggregate classification (germline): Pathogenic (1 of 4 stars; one submission).

Conditions:
Osteogenesis imperfecta type I (OI1). Also called: Lobstein's Disease; OI, TYPE I; OSTEOGENESIS IMPERFECTA TARDA; OSTEOGENESIS IMPERFECTA WITH BLUE SCLERAE; Osteogenesis imperfecta type 1; Lobstein disease. Identifiers: Orphanet 216796, Orphanet 666, MedGen C0023931, MONDO:0008146, OMIM 166200. Disease mechanism: loss of function.
Ehlers-Danlos syndrome, classic type, 1 (EDSCL1). Also called: Ehlers-Danlos syndrome, type 1; EHLERS-DANLOS SYNDROME, GRAVIS TYPE; EHLERS-DANLOS SYNDROME, SEVERE CLASSIC TYPE; EDS I; Ehlers-Danlos Syndrome, Classic Type, COL5A1-Related. Identifiers: MedGen C0268335, MONDO:0019567, OMIM 130000.

Submission:

Labcorp Genetics (formerly Invitae), Labcorp
Classification: Pathogenic for Osteogenesis imperfecta type I; Ehlers-Danlos syndrome, classic type, 1. Last evaluated: 2021-11-02. Review status: criteria provided, single submitter. Criteria: Invitae Variant Classification Sherloc (09022015). Collection method: clinical testing. Allele origin: germline.
Comment: Algorithms developed to predict the effect of sequence changes on RNA splicing suggest that this variant may disrupt the consensus splice site. For these reasons, this variant has been classified as Pathogenic. ClinVar contains an entry for this variant (Variation ID: 951688). This variant is also known as IVS9+1G>T. Disruption of this splice site has been observed in individual(s) with clinical features of autosomal dominant COL1A2-related conditions (PMID: 17078022; Invitae). In at least one individual the variant was observed to be de novo. This variant is not present in population databases (gnomAD no frequency). This sequence change affects a donor splice site in intron 9 of the COL1A2 gene. It is expected to disrupt RNA splicing. Variants that disrupt the donor or acceptor splice site typically lead to a loss of protein function (PMID: 16199547), and loss-of-function variants in COL1A2 are known to be pathogenic (PMID: 11288717, 15077201).

Literature cited by the submitters: PubMed 17078022; PubMed 16199547; PubMed 11288717; PubMed 15077201.

NM_000089.4(COL1A2):c.432+1G>T

Gene: COL1A2 (collagen type I alpha 2 chain; plus strand). Cytogenetic location: 7q21.3.
Variant type: single nucleotide variant.
Coding change: c.432+1G>T on transcript NM_000089.4 (MANE Select); the canonical splice donor site of the intron after coding-DNA position 432, G replaced by T.
Molecular consequence: splice donor variant.
Genome position (GRCh38, 1-based): chr7:94,404,893, G>T. VCF-style: chr7-94404893-G-T. GRCh37 (hg19) VCF-style: chr7-94034205-G-T.
Identifiers: ClinVar variation 951688 (VCV000951688.9), dbSNP rs1554395431, ClinGen allele CA368219749.